The following is an entry in ClinVar:

ClinVar aggregate classification (germline): Uncertain significance (0 of 4 stars; one submission).

Conditions:
FGA-related disorder. Also called: FGA-related disorders; FGA-related condition.

gnomAD v4.1: 3 of 1,612,398 alleles (0.00019%); highest among the groups gnomAD compares: South Asian, 0.0011%; no homozygotes.

Submission:

PreventionGenetics, part of Exact Sciences
Classification: Uncertain significance for FGA-related condition. Last evaluated: 2024-06-24. Review status: no assertion criteria provided. Collection method: clinical testing. Allele origin: germline.
Comment: The FGA c.1904T>C variant is predicted to result in the amino acid substitution p.Val635Ala. To our knowledge, this variant has not been reported in the literature. This variant is reported in 0.0033% of alleles in individuals of South Asian descent in gnomAD. At this time, the clinical significance of this variant is uncertain due to the absence of conclusive functional and genetic evidence.

NM_000508.5(FGA):c.1904T>C (p.Val635Ala)

Gene: FGA (fibrinogen alpha chain; minus strand). Cytogenetic location: 4q31.3.
Variant type: single nucleotide variant.
Coding change: c.1904T>C on transcript NM_000508.5; coding-DNA position 1904, T replaced by C.
Protein change: p.Val635Ala; replaces valine 635 with alanine.
Molecular consequence: missense variant.
Genome position (GRCh38, 1-based): chr4:154,584,821, A>G on the plus strand (T>C on the coding strand, the complement: FGA is on the minus strand). VCF-style: chr4-154584821-A-G. GRCh37 (hg19) VCF-style: chr4-155505973-A-G.
Other names: short protein forms V635A.
Identifiers: ClinVar variation 3358118 (VCV003358118.1).